The following is an entry in ClinVar:

ClinVar aggregate classification (germline): Uncertain significance (1 of 4 stars; one submission).

Conditions:
MAGEL2-related disorder. Also called: MAGEL2-related condition.

gnomAD v4.1: 1 of 1,537,066 alleles (0.000065%); no homozygotes.

Submission:

PreventionGenetics, part of Exact Sciences
Classification: Uncertain significance for MAGEL2-related condition. Last evaluated: 2023-03-15. Review status: criteria provided, single submitter. Criteria: ACMG Guidelines, 2015. Collection method: clinical testing. Allele origin: germline.
Comment: The MAGEL2 c.808C>A variant is predicted to result in the amino acid substitution p.Gln270Lys. To our knowledge, this variant has not been reported in the literature or in a large population database, indicating this variant is rare. At this time, the clinical significance of this variant is uncertain due to the absence of conclusive functional and genetic evidence.

NM_019066.5(MAGEL2):c.808C>A (p.Gln270Lys)

Gene: MAGEL2 (MAGE family member L2; minus strand). Cytogenetic location: 15q11.2.
Variant type: single nucleotide variant.
Coding change: c.808C>A on transcript NM_019066.5 (MANE Select); coding-DNA position 808, C replaced by A.
Protein change: p.Gln270Lys; replaces glutamine 270 with lysine.
Molecular consequence: missense variant.
Genome position (GRCh38, 1-based): chr15:23,646,935, G>T on the plus strand (C>A on the coding strand, the complement: MAGEL2 is on the minus strand). VCF-style: chr15-23646935-G-T. GRCh37 (hg19) VCF-style: chr15-23892082-G-T.
Other names: short protein forms Q270K.
Identifiers: ClinVar variation 2633529 (VCV002633529.1), dbSNP rs2503983082, ClinGen allele CA391335785.